The following is an entry in ClinVar:

NM_015338.6(ASXL1):c.3370C>G (p.Pro1124Ala)

Gene: ASXL1 (ASXL transcriptional regulator 1; plus strand). Cytogenetic location: 20q11.21.
Variant type: single nucleotide variant.
Coding change: c.3370C>G on transcript NM_015338.6 (MANE Select); coding-DNA position 3370, C replaced by G.
Protein change: p.Pro1124Ala; replaces proline 1124 with alanine.
Molecular consequence: missense variant.
Genome position (GRCh38, 1-based): chr20:32,436,082, C>G. VCF-style: chr20-32436082-C-G. GRCh37 (hg19) VCF-style: chr20-31023885-C-G.
Other names: c.3187C>G, p.Pro1063Ala (NM_001363734.1); short protein forms P1063A, P1124A.
Identifiers: ClinVar variation 2637827 (VCV002637827.2), dbSNP rs758338148, ClinGen allele CA408562917.
Genomic context (GRCh38, chr20:32,436,082, plus strand): 5'-ACTAACCCACTTGTGATGCAGTTGCTGCAGGGTAGCTTGCCCCTAGAGAAGGTTCTTCCA[C>G]CAGCCCACGATGACAGCATGTCAGAATCCCCACAAGTACCACTTACAAAAGACCAGAGCC-3'
Protein context (NP_056153.2, residues 1114-1134): GSLPLEKVLP[Pro1124Ala]AHDDSMSESP

ClinVar aggregate classification (germline): Uncertain significance. Review status: criteria provided, multiple submitters, no conflicts (2 of 4 stars). 2 submissions from 2 submitters: Uncertain significance (2). Last evaluated 2025-11-13.

Conditions:
Inborn genetic diseases. Identifiers: MedGen C0950123, MeSH D030342.

Submissions (2):

Ambry Genetics
Classification: Uncertain significance for Inborn genetic diseases. Last evaluated: 2025-11-13. Review status: criteria provided, single submitter. Criteria: Ambry Variant Classification Scheme 2023. Collection method: clinical testing. Allele origin: germline.
Comment: The p.P1124A variant (also known as c.3370C>G), located in coding exon 13 of the ASXL1 gene, results from a C to G substitution at nucleotide position 3370. The proline at codon 1124 is replaced by alanine, an amino acid with highly similar properties. This amino acid position is conserved. In addition, this alteration is predicted to be tolerated by in silico analysis. Based on the available evidence, the clinical significance of this variant remains unclear.

Women's Health and Genetics/Laboratory Corporation of America, LabCorp
Classification: Uncertain significance. Last evaluated: 2023-10-19. Review status: criteria provided, single submitter. Criteria: LabCorp Variant Classification Summary - May 2015. Collection method: clinical testing. Allele origin: germline.
Comment: Variant summary: ASXL1 c.3370C>G (p.Pro1124Ala) results in a non-conservative amino acid change in the encoded protein sequence. Four of five in-silico tools predict a benign effect of the variant on protein function. The variant was absent in 251476 control chromosomes (gnomAD). The available data on variant occurrences in the general population are insufficient to allow any conclusion about variant significance. To our knowledge, no occurrence of c.3370C>G in individuals affected with Bohring-Opitz Syndrome and no experimental evidence demonstrating its impact on protein function have been reported. No submitters have cited clinical-significance assessments for this variant to ClinVar after 2014. Based on the evidence outlined above, the variant was classified as uncertain significance.